The following is an entry in ClinVar:

NM_001005271.3(CHD3):c.88G>A (p.Glu30Lys)

Genes: CHD3 (chromodomain helicase DNA binding protein 3; plus strand), NAA38 (N-alpha-acetyltransferase 38, NatC auxiliary subunit; minus strand). Cytogenetic location: 17p13.1.
Variant type: single nucleotide variant.
Coding change: c.88G>A on transcript NM_001005271.3; coding-DNA position 88, G replaced by A.
Protein change: p.Glu30Lys; replaces glutamic acid 30 with lysine.
Molecular consequence: missense variant. On other transcripts: intron variant (1).
Genome position (GRCh38, 1-based): chr17:7,884,894, G>A. VCF-style: chr17-7884894-G-A. GRCh37 (hg19) VCF-style: chr17-7788212-G-A.
Other names: c.88G>A, p.Glu30Lys (NM_001437504.1, NM_001437507.1, NM_001437508.1 and 1 more transcripts); c.-167+271C>T (NM_001330111.2); short protein forms E30K.
Identifiers: ClinVar variation 1307452 (VCV001307452.4), dbSNP rs770625965, ClinGen allele CA8362220.

ClinVar aggregate classification (germline): Uncertain significance (1 of 4 stars; one submission).

gnomAD v4.1: 11 of 1,085,664 alleles (0.001%); highest among the groups gnomAD compares: Non-Finnish European, 0.0014%; no homozygotes.

Submission:

GeneDx
Classification: Uncertain significance. Last evaluated: 2019-08-02. Review status: criteria provided, single submitter. Criteria: GeneDx Variant Classification Process June 2021. Collection method: clinical testing. Allele origin: germline. Affected: yes.
Comment: Not observed in large population cohorts (Lek et al., 2016); In silico analysis, which includes protein predictors and evolutionary conservation, supports that this variant does not alter protein structure/function; Has not been previously published as pathogenic or benign to our knowledge